The following is an entry in ClinVar:

NM_001846.4(COL4A2):c.1265G>A (p.Gly422Glu)

Gene: COL4A2 (collagen type IV alpha 2 chain; plus strand). Cytogenetic location: 13q34.
Variant type: single nucleotide variant.
Coding change: c.1265G>A on transcript NM_001846.4 (MANE Select); coding-DNA position 1265, G replaced by A.
Protein change: p.Gly422Glu; replaces glycine 422 with glutamic acid.
Molecular consequence: missense variant.
Genome position (GRCh38, 1-based): chr13:110,450,380, G>A. VCF-style: chr13-110450380-G-A. GRCh37 (hg19) VCF-style: chr13-111102727-G-A.
Other names: c.1265G>A (NM_001846.2); short protein forms G422E.
Identifiers: ClinVar variation 2968253 (VCV002968253.4), dbSNP rs1338436328, ClinGen allele CA388734573.

ClinVar aggregate classification (germline): Uncertain significance. Review status: criteria provided, multiple submitters, no conflicts (2 of 4 stars). 2 submissions from 2 submitters: Uncertain significance (2). Last evaluated 2025-08-30.

Conditions:
Inborn genetic diseases. Identifiers: MedGen C0950123, MeSH D030342.

Allele frequency attached by ClinVar (database versions not stated): gnomAD exomes below 0.00001; gnomAD 0.00001; TOPMed 0.00001.
gnomAD v4.1: 3 of 1,613,708 alleles (0.00019%); highest among the groups gnomAD compares: Admixed American, 0.0033%; no homozygotes.

Submissions (2):

Ambry Genetics
Classification: Uncertain significance for Inborn genetic diseases. Last evaluated: 2025-08-30. Review status: criteria provided, single submitter. Criteria: Ambry Variant Classification Scheme 2023. Collection method: clinical testing. Allele origin: germline.

Labcorp Genetics (formerly Invitae), Labcorp
Classification: Uncertain significance. Last evaluated: 2023-10-20. Review status: criteria provided, single submitter. Criteria: Invitae Variant Classification Sherloc (09022015). Collection method: clinical testing. Allele origin: germline.
Comment: This sequence change replaces glycine, which is neutral and non-polar, with glutamic acid, which is acidic and polar, at codon 422 of the COL4A2 protein (p.Gly422Glu). This variant is present in population databases (no rsID available, gnomAD 0.003%). This variant has not been reported in the literature in individuals affected with COL4A2-related conditions. Advanced modeling of protein sequence and biophysical properties (such as structural, functional, and spatial information, amino acid conservation, physicochemical variation, residue mobility, and thermodynamic stability) has been performed at Invitae for this missense variant, however the output from this modeling did not meet the statistical confidence thresholds required to predict the impact of this variant on COL4A2 protein function. In summary, the available evidence is currently insufficient to determine the role of this variant in disease. Therefore, it has been classified as a Variant of Uncertain Significance.